The following is an entry in ClinVar:

NM_024079.5(ALG8):c.491A>G (p.Gln164Arg)

Gene: ALG8 (ALG8 alpha-1,3-glucosyltransferase; minus strand). Cytogenetic location: 11q14.1.
Variant type: single nucleotide variant.
Coding change: c.491A>G on transcript NM_024079.5 (MANE Select); coding-DNA position 491, A replaced by G.
Protein change: p.Gln164Arg; replaces glutamine 164 with arginine.
Molecular consequence: missense variant. On other transcripts: 5 prime UTR variant (2), non-coding transcript variant (2).
Genome position (GRCh38, 1-based): chr11:78,119,237, T>C on the plus strand (A>G on the coding strand, the complement: ALG8 is on the minus strand). VCF-style: chr11-78119237-T-C. GRCh37 (hg19) VCF-style: chr11-77830283-T-C.
Other names: c.491A>G, p.Gln164Arg (NM_001007027.3, NM_001425221.1, NM_001425222.1 and 13 more transcripts); c.494A>G, p.Gln165Arg (NM_001425219.1); c.476A>G, p.Gln159Arg (NM_001425220.1); c.338A>G, p.Gln113Arg (NM_001425226.1, NM_001425235.1, NM_001425236.1); c.290A>G, p.Gln97Arg (NM_001425231.1); c.227A>G, p.Gln76Arg (NM_001425234.1, NM_001425239.1); c.491A>G (NM_024079.4); c.-26A>G (NM_001425241.1); and 1 more; short protein forms Q164R, Q159R, Q97R, Q113R, Q165R, Q76R.
Identifiers: ClinVar variation 3574068 (VCV003574068.2).

ClinVar aggregate classification (germline): Uncertain significance. Review status: criteria provided, multiple submitters, no conflicts (2 of 4 stars). 2 submissions from 2 submitters: Uncertain significance (2). Last evaluated 2025-11-03.

Conditions:
ALG8-related disorder.
Polycystic liver disease 3 with or without kidney cysts. Identifiers: MedGen C4693472, MONDO:0054743, OMIM 617874.
ALG8 congenital disorder of glycosylation. Also called: CONGENITAL DISORDER OF GLYCOSYLATION, TYPE Ih; CDG Ih; ALG8-CDG. Identifiers: Orphanet 79325, MedGen C2931002, MONDO:0011969, OMIM 608104.

gnomAD v4.1: 9 of 1,610,976 alleles (0.00056%); highest among the groups gnomAD compares: South Asian, 0.0011%; no homozygotes.

Submissions (2):

PreventionGenetics, part of Exact Sciences
Classification: Uncertain significance for ALG8-related condition. Last evaluated: 2025-11-03. Review status: criteria provided, single submitter. Criteria: ACMG Guidelines, 2015. Collection method: clinical testing. Allele origin: germline.
Comment: The ALG8 c.491A>G variant is predicted to result in the amino acid substitution p.Gln164Arg. To our knowledge, this variant has not been reported in the literature. This variant is reported in 0.0099% of alleles in individuals of Ashkenazi Jewish descent in gnomAD. At this time, the clinical significance of this variant is uncertain due to the absence of conclusive functional and genetic evidence.

Fulgent Genetics
Classification: Uncertain significance for ALG8 congenital disorder of glycosylation; Polycystic liver disease 3 with or without kidney cysts. Last evaluated: 2024-01-02. Review status: criteria provided, single submitter. Criteria: ACMG Guidelines, 2015. Collection method: clinical testing. Allele origin: germline.